The following is an entry in ClinVar:

NM_006231.4(POLE):c.4094T>C (p.Val1365Ala)

Gene: POLE (DNA polymerase epsilon, catalytic subunit; minus strand). Cytogenetic location: 12q24.33.
Variant type: single nucleotide variant.
Coding change: c.4094T>C on transcript NM_006231.4 (MANE Select); coding-DNA position 4094, T replaced by C.
Protein change: p.Val1365Ala; replaces valine 1365 with alanine.
Molecular consequence: missense variant.
Genome position (GRCh38, 1-based): chr12:132,648,984, A>G on the plus strand (T>C on the coding strand, the complement: POLE is on the minus strand). VCF-style: chr12-132648984-A-G. GRCh37 (hg19) VCF-style: chr12-133225570-A-G.
Other names: short protein forms V1365A.
Identifiers: ClinVar variation 3308399 (VCV003308399.1).

ClinVar aggregate classification (germline): Uncertain significance (1 of 4 stars; one submission).

Conditions:
Hereditary cancer-predisposing syndrome. Also called: Neoplastic Syndromes, Hereditary; Tumor predisposition; Hereditary neoplastic syndrome; Hereditary Cancer Syndrome. Identifiers: Orphanet 140162, MedGen C0027672, MeSH D009386, MONDO:0015356.

Submission:

Ambry Genetics
Classification: Uncertain significance for Hereditary cancer-predisposing syndrome. Last evaluated: 2024-05-02. Review status: criteria provided, single submitter. Criteria: Ambry Variant Classification Scheme 2023. Collection method: clinical testing. Allele origin: germline.
Comment: The p.V1365A variant (also known as c.4094T>C), located in coding exon 32 of the POLE gene, results from a T to C substitution at nucleotide position 4094. The valine at codon 1365 is replaced by alanine, an amino acid with similar properties. This amino acid position is conserved. In addition, this alteration is predicted to be tolerated by in silico analysis. Based on the available evidence, the clinical significance of this variant remains unclear.